The following is an entry in ClinVar:

ClinVar aggregate classification (germline): Pathogenic (1 of 4 stars; one submission).

Conditions:
DNAH11-related disorder. Also called: DNAH11-related condition.

Submission:

PreventionGenetics, part of Exact Sciences
Classification: Pathogenic for DNAH11-related condition. Last evaluated: 2023-07-18. Review status: criteria provided, single submitter. Criteria: ACMG Guidelines, 2015. Collection method: clinical testing. Allele origin: germline.
Comment: The DNAH11 c.2170-1G>A variant is predicted to disrupt the AG splice acceptor site and interfere with normal splicing. To our knowledge, this variant has not been reported in the literature or in a large population database, indicating this variant is rare. Variants that disrupt the consensus splice acceptor site in DNAH11 are expected to be pathogenic. This variant is interpreted as pathogenic.

NM_001277115.2(DNAH11):c.2170-1G>A

Gene: DNAH11 (dynein axonemal heavy chain 11; plus strand). Cytogenetic location: 7p15.3.
Variant type: single nucleotide variant.
Coding change: c.2170-1G>A on transcript NM_001277115.2 (MANE Select); the canonical splice acceptor site of the intron before coding-DNA position 2170, G replaced by A.
Molecular consequence: splice acceptor variant.
Genome position (GRCh38, 1-based): chr7:21,590,917, G>A. VCF-style: chr7-21590917-G-A. GRCh37 (hg19) VCF-style: chr7-21630535-G-A.
Identifiers: ClinVar variation 2631442 (VCV002631442.1), dbSNP rs2534596060, ClinGen allele CA366941777.